The following is an entry in ClinVar:

NM_007144.3(PCGF2):c.130G>A (p.Val44Met)

Gene: PCGF2 (polycomb group ring finger 2; minus strand). Cytogenetic location: 17q12.
Variant type: single nucleotide variant.
Coding change: c.130G>A on transcript NM_007144.3 (MANE Select); coding-DNA position 130, G replaced by A.
Protein change: p.Val44Met; replaces valine 44 with methionine.
Molecular consequence: missense variant.
Genome position (GRCh38, 1-based): chr17:38,739,665, C>T on the plus strand (G>A on the coding strand, the complement: PCGF2 is on the minus strand). VCF-style: chr17-38739665-C-T. GRCh37 (hg19) VCF-style: chr17-36895918-C-T.
Other names: c.130G>A, p.Val44Met (NM_001369614.1, NM_001369615.1); short protein forms V44M.
Identifiers: ClinVar variation 2498702 (VCV002498702.29), dbSNP rs1412561472, ClinGen allele CA398822563.
Genomic context (GRCh38, chr17:38,739,665, plus strand): 5'-GGGTTTTATGGACCTGCACGTCACACATGGGGCAGTATTTGTTGGTCTCCAGGTAGCGCA[C>T]GATGCAGGTTTTGCAGACTTGGGGGTGTGGAGAGAGAGAGGAGAGTCAGAGCCAACTTCC-3'
Protein context (NP_009075.1, residues 34-54): CLHSFCKTCI[Val44Met]RYLETNKYCP

ClinVar aggregate classification (germline): Uncertain significance. Review status: criteria provided, multiple submitters, no conflicts (2 of 4 stars). 2 submissions from 2 submitters: Uncertain significance (2). Last evaluated 2025-11-25.

Allele frequency attached by ClinVar (database versions not stated): TOPMed below 0.00001; gnomAD 0.00001.

Submissions (2):

Labcorp Genetics (formerly Invitae), Labcorp
Classification: Uncertain significance. Last evaluated: 2025-11-25. Review status: criteria provided, single submitter. Criteria: Invitae Variant Classification Sherloc (09022015). Collection method: clinical testing. Allele origin: germline.
Comment: This sequence change replaces valine, which is neutral and non-polar, with methionine, which is neutral and non-polar, at codon 44 of the PCGF2 protein (p.Val44Met). This variant is present in population databases (no rsID available, gnomAD 0.006%). This variant has not been reported in the literature in individuals affected with PCGF2-related conditions. ClinVar contains an entry for this variant (Variation ID: 2498702). Invitae Evidence Modeling of protein sequence and biophysical properties (such as structural, functional, and spatial information, amino acid conservation, physicochemical variation, residue mobility, and thermodynamic stability) indicates that this missense variant is expected to disrupt PCGF2 protein function with a positive predictive value of 80%. In summary, the available evidence is currently insufficient to determine the role of this variant in disease. Therefore, it has been classified as a Variant of Uncertain Significance.

CeGaT Center for Human Genetics Tuebingen
Classification: Uncertain significance. Last evaluated: 2023-01-01. Review status: criteria provided, single submitter. Criteria: CeGaT Center For Human Genetics Tuebingen Variant Classification Criteria Version 2. Collection method: clinical testing. Allele origin: germline. Affected: yes. Observed: 1 variant allele.
Comment: PCGF2: PP3